The following is an entry in ClinVar:

ClinVar aggregate classification (germline): Uncertain significance (1 of 4 stars; one submission).

Conditions:
Predisposition to invasive fungal disease due to CARD9 deficiency (IMD103). Also called: CARD9 IMMUNODEFICIENCY; IMMUNODEFICIENCY 103, SUSCEPTIBILITY TO FUNGAL INFECTIONS; Candidiasis, familial, 2, autosomal recessive. Identifiers: Orphanet 457088, MedGen C1859353, MONDO:0008905, OMIM 212050.

Allele frequency attached by ClinVar (database versions not stated): gnomAD exomes below 0.00001; TOPMed 0.00001.
gnomAD v4.1: 3 of 1,537,930 alleles (0.0002%); highest among the groups gnomAD compares: Non-Finnish European, 0.00026%; no homozygotes.

Submission:

Labcorp Genetics (formerly Invitae), Labcorp
Classification: Uncertain significance for Predisposition to invasive fungal disease due to CARD9 deficiency. Last evaluated: 2022-10-14. Review status: criteria provided, single submitter. Criteria: Invitae Variant Classification Sherloc (09022015). Collection method: clinical testing. Allele origin: germline.
Comment: Algorithms developed to predict the effect of missense changes on protein structure and function output the following: SIFT: "Tolerated"; PolyPhen-2: "Benign"; Align-GVGD: "Class C0". The threonine amino acid residue is found in multiple mammalian species, which suggests that this missense change does not adversely affect protein function. This variant has not been reported in the literature in individuals affected with CARD9-related conditions. This variant is not present in population databases (gnomAD no frequency). This sequence change replaces alanine, which is neutral and non-polar, with threonine, which is neutral and polar, at codon 480 of the CARD9 protein (p.Ala480Thr). In summary, the available evidence is currently insufficient to determine the role of this variant in disease. Therefore, it has been classified as a Variant of Uncertain Significance.

NM_052813.5(CARD9):c.1438G>A (p.Ala480Thr)

Gene: CARD9 (caspase recruitment domain family member 9; minus strand). Cytogenetic location: 9q34.3.
Variant type: single nucleotide variant.
Coding change: c.1438G>A on transcript NM_052813.5 (MANE Select); coding-DNA position 1438, G replaced by A.
Protein change: p.Ala480Thr; replaces alanine 480 with threonine.
Molecular consequence: missense variant.
Genome position (GRCh38, 1-based): chr9:136,364,556, C>T on the plus strand (G>A on the coding strand, the complement: CARD9 is on the minus strand). VCF-style: chr9-136364556-C-T. GRCh37 (hg19) VCF-style: chr9-139259008-C-T.
Other names: c.1438G>A, p.Ala480Thr (NM_052814.4); short protein forms A480T.
Identifiers: ClinVar variation 1955896 (VCV001955896.5), dbSNP rs1442164218, ClinGen allele CA375541610.